The following is an entry in ClinVar:

ClinVar aggregate classification (germline): Uncertain significance (1 of 4 stars; one submission).

Allele frequency attached by ClinVar (database versions not stated): gnomAD exomes below 0.00001.
gnomAD v4.1: 1 of 1,613,684 alleles (0.000062%); highest among the groups gnomAD compares: Non-Finnish European, 0.000085%; no homozygotes.

Submission:

Labcorp Genetics (formerly Invitae), Labcorp
Classification: Uncertain significance. Last evaluated: 2022-03-09. Review status: criteria provided, single submitter. Criteria: Invitae Variant Classification Sherloc (09022015). Collection method: clinical testing. Allele origin: germline.
Comment: In summary, the available evidence is currently insufficient to determine the role of this variant in disease. Therefore, it has been classified as a Variant of Uncertain Significance. Algorithms developed to predict the effect of missense changes on protein structure and function output the following: SIFT: "Tolerated"; PolyPhen-2: "Benign"; Align-GVGD: "Class C0". The glutamic acid amino acid residue is found in multiple mammalian species, which suggests that this missense change does not adversely affect protein function. This variant has not been reported in the literature in individuals affected with VCAN-related conditions. This variant is not present in population databases (gnomAD no frequency). This sequence change replaces aspartic acid, which is acidic and polar, with glutamic acid, which is acidic and polar, at codon 2141 of the VCAN protein (p.Asp2141Glu).

NM_004385.5(VCAN):c.6423T>G (p.Asp2141Glu)

Genes: VCAN (versican; plus strand), VCAN-AS1 (VCAN antisense RNA 1; minus strand). Cytogenetic location: 5q14.3.
Variant type: single nucleotide variant.
Coding change: c.6423T>G on transcript NM_004385.5 (MANE Select); coding-DNA position 6423, T replaced by G.
Protein change: p.Asp2141Glu; replaces aspartic acid 2141 with glutamic acid.
Molecular consequence: missense variant. On other transcripts: intron variant (2).
Genome position (GRCh38, 1-based): chr5:83,539,426, T>G. VCF-style: chr5-83539426-T-G. GRCh37 (hg19) VCF-style: chr5-82835245-T-G.
Other names: c.3462T>G, p.Asp1154Glu (NM_001164097.2); c.4004-6111T>G (NM_001164098.2); c.1043-6111T>G (NM_001126336.3); short protein forms D2141E, D1154E.
Identifiers: ClinVar variation 2040744 (VCV002040744.4), dbSNP rs2479113563, ClinGen allele CA360312528.